The following is an entry in ClinVar:

NM_007294.4(BRCA1):c.5133A>T (p.Lys1711Asn)

Gene: BRCA1 (BRCA1 DNA repair associated; minus strand). Cytogenetic location: 17q21.31.
Variant type: single nucleotide variant.
Coding change: c.5133A>T on transcript NM_007294.4 (MANE Select); coding-DNA position 5133, A replaced by T.
Protein change: p.Lys1711Asn; replaces lysine 1711 with asparagine.
Molecular consequence: missense variant. On other transcripts: non-coding transcript variant (1).
Genome position (GRCh38, 1-based): chr17:43,063,893, T>A on the plus strand (A>T on the coding strand, the complement: BRCA1 is on the minus strand). VCF-style: chr17-43063893-T-A. GRCh37 (hg19) VCF-style: chr17-41215910-T-A.
Other names: c.1557A>T, p.Lys519Asn (NM_001408503.1, NM_001408504.1, NM_001408502.1); c.1554A>T, p.Lys518Asn (NM_001408505.1); c.1497A>T, p.Lys499Asn (NM_001408506.1); c.1494A>T, p.Lys498Asn (NM_001408507.1); c.1485A>T, p.Lys495Asn (NM_001408508.1); c.1482A>T, p.Lys494Asn (NM_001408509.1); c.1443A>T, p.Lys481Asn (NM_001408510.1); c.1440A>T, p.Lys480Asn (NM_001408511.1); and 71 more; short protein forms K1732N, K1664N, K1711N, K607N, K1414N, K1415N, K1557N, K1584N.
Identifiers: ClinVar variation 864998 (VCV000864998.3), dbSNP rs1597820025, ClinGen allele CA10591276.

Conditions:
Breast-ovarian cancer, familial, susceptibility to, 1 (BROVCA1). Also called: BRCA1 Hereditary Breast and Ovarian Cancer; OVARIAN CANCER, SUSCEPTIBILITY TO. Identifiers: Orphanet 145, MedGen C2676676, MONDO:0011450, OMIM 604370. Disease mechanism: loss of function.

Submission:

Brotman Baty Institute, University of Washington
No classification provided (evidence only). Condition: Breast-ovarian cancer, familial 1. Review status: no classification provided. Collection method: in vitro. Allele origin: not applicable. Functional consequence: functionally_normal.
ClinVar note: "not provided" was previously submitted as the classification for the variant. However, the classification appeared to be based only on an observation of functional data so it was converted to no classification on 2025-07-30.